The following is an entry in ClinVar:

NM_014918.5(CHSY1):c.612G>A (p.Thr204=)

Gene: CHSY1 (chondroitin sulfate synthase 1; minus strand). Cytogenetic location: 15q26.3.
Variant type: single nucleotide variant.
Coding change: c.612G>A on transcript NM_014918.5 (MANE Select); coding-DNA position 612, G replaced by A.
Protein change: p.Thr204=; no amino-acid change (threonine 204 retained).
Molecular consequence: synonymous variant.
Genome position (GRCh38, 1-based): chr15:101,235,286, C>T on the plus strand (G>A on the coding strand, the complement: CHSY1 is on the minus strand). VCF-style: chr15-101235286-C-T. GRCh37 (hg19) VCF-style: chr15-101775491-C-T.
Identifiers: ClinVar variation 773303 (VCV000773303.15), dbSNP rs145031427, ClinGen allele CA7762692.
Genomic context (GRCh38, chr15:101,235,286, plus strand): 5'-GCCAGGCCCCCCCATGCAGAAGTTCTCACCAGGCTCCAGGGCCAGTTTTCCCATTTCTTC[C>T]GTGGTGCCCAGGCCTGTCTGCCCAAGAAAGAGGGGCTCGCTGCTGTTCAAACTCCTCAGG-3'
Protein context (NP_055733.2, residues 194-214): LFLGQTGLGT[Thr204=]EEMGKLALEP

ClinVar aggregate classification (germline): Likely benign. Review status: criteria provided, multiple submitters, no conflicts (2 of 4 stars). 3 submissions from 3 submitters: Likely benign (3). Last evaluated 2025-12-01.

Conditions:
Temtamy preaxial brachydactyly syndrome (TPBS). Identifiers: Orphanet 363417, MedGen C1854466, MONDO:0011533, OMIM 605282.

Allele frequency attached by ClinVar (database versions not stated): 1000 Genomes Project 30x 0.00047; 1000 Genomes Project 0.00060; ExAC 0.00087; gnomAD exomes 0.00095 and 0.00195; gnomAD 0.00103 and 0.00104; TOPMed 0.00109; ESP Exome Variant Server 0.00123.
gnomAD v4.1: 2,986 of 1,614,192 alleles (0.18%); highest among the groups gnomAD compares: Non-Finnish European, 0.24%; 3 homozygotes.

Submissions (3):

CeGaT Center for Human Genetics Tuebingen
Classification: Likely benign. Last evaluated: 2025-12-01. Review status: criteria provided, single submitter. Criteria: CeGaT Center For Human Genetics Tuebingen Variant Classification Criteria Version 2. Collection method: clinical testing. Allele origin: germline. Affected: yes. Observed: 2 variant alleles.
Comment: CHSY1: BP4, BP7

Labcorp Genetics (formerly Invitae), Labcorp
Classification: Likely benign for Temtamy preaxial brachydactyly syndrome. Last evaluated: 2025-10-07. Review status: criteria provided, single submitter. Criteria: Invitae Variant Classification Sherloc (09022015). Collection method: clinical testing. Allele origin: germline.

Blueprint Genetics
Classification: Likely benign. Last evaluated: 2024-11-12. Review status: criteria provided, single submitter. Criteria: ACMG Guidelines, 2015. Collection method: clinical testing. Allele origin: germline.